The following is an entry in ClinVar:

ClinVar aggregate classification (germline): Uncertain significance (1 of 4 stars; one submission).

Allele frequency attached by ClinVar (database versions not stated): gnomAD exomes below 0.00001.
gnomAD v4.1: 1 of 1,614,154 alleles (0.000062%); no homozygotes.

Submission:

Labcorp Genetics (formerly Invitae), Labcorp
Classification: Uncertain significance. Last evaluated: 2021-03-25. Review status: criteria provided, single submitter. Criteria: Invitae Variant Classification Sherloc (09022015). Collection method: clinical testing. Allele origin: germline.
Comment: Algorithms developed to predict the effect of missense changes on protein structure and function are either unavailable or do not agree on the potential impact of this missense change (SIFT: "Tolerated"; PolyPhen-2: "Probably Damaging"; Align-GVGD: "Class C0"). This variant has not been reported in the literature in individuals with GEN1-related conditions. This variant is not present in population databases (ExAC no frequency). This sequence change replaces methionine with valine at codon 44 of the GEN1 protein (p.Met44Val). The methionine residue is moderately conserved and there is a small physicochemical difference between methionine and valine. In summary, the available evidence is currently insufficient to determine the role of this variant in disease. Therefore, it has been classified as a Variant of Uncertain Significance.

NM_001130009.3(GEN1):c.130A>G (p.Met44Val)

Gene: GEN1 (GEN1 structure-specific endonuclease; plus strand). Cytogenetic location: 2p24.2.
Variant type: single nucleotide variant.
Coding change: c.130A>G on transcript NM_001130009.3 (MANE Select); coding-DNA position 130, A replaced by G.
Protein change: p.Met44Val; replaces methionine 44 with valine.
Molecular consequence: missense variant.
Genome position (GRCh38, 1-based): chr2:17,760,073, A>G. VCF-style: chr2-17760073-A-G. GRCh37 (hg19) VCF-style: chr2-17941340-A-G.
Other names: c.130A>G, p.Met44Val (NM_182625.5); short protein forms M44V.
Identifiers: ClinVar variation 1379632 (VCV001379632.8), dbSNP rs1270836576, ClinGen allele CA345905884.
Genomic context (GRCh38, chr2:17,760,073, plus strand): 5'-GGGAAAACCATTGCAGTTGATCTGAGTCTCTGGGTGTGTGAGGCACAGACAGTCAAAAAA[A>G]TGATGGGCAGCGTCATGAAGCCCCACCTCAGGTATAGTAAAAGCTCTTACAGTATAAATG-3'
Protein context (NP_001123481.3, residues 34-54): WVCEAQTVKK[Met44Val]MGSVMKPHLR